The following is an entry in ClinVar:

NM_001271.4(CHD2):c.3885+4A>G

Gene: CHD2 (chromodomain helicase DNA binding protein 2; plus strand). Cytogenetic location: 15q26.1.
Variant type: single nucleotide variant.
Coding change: c.3885+4A>G on transcript NM_001271.4 (MANE Select); 4 bases into the intron after coding-DNA position 3885, A replaced by G.
Molecular consequence: intron variant.
Genome position (GRCh38, 1-based): chr15:92,997,407, A>G. VCF-style: chr15-92997407-A-G. GRCh37 (hg19) VCF-style: chr15-93540637-A-G.
Identifiers: ClinVar variation 474386 (VCV000474386.7), dbSNP rs1555444612, ClinGen allele CA658658325.

ClinVar aggregate classification (germline): Uncertain significance (1 of 4 stars; one submission).

Conditions:
Developmental and epileptic encephalopathy 94 (DEE94). Also called: CHD2-Related Neurodevelopmental Disorders; Epileptic encephalopathy, childhood-onset. Identifiers: Orphanet 1942, Orphanet 2382, MedGen C3809278, MONDO:0014150, OMIM 615369.

Submission:

Labcorp Genetics (formerly Invitae), Labcorp
Classification: Uncertain significance for Developmental and epileptic encephalopathy 94. Last evaluated: 2017-05-26. Review status: criteria provided, single submitter. Criteria: Invitae Variant Classification Sherloc (09022015). Collection method: clinical testing. Allele origin: germline.
Comment: This sequence change falls in intron 30 of the CHD2 gene. It does not directly change the encoded amino acid sequence of the CHD2 protein, but it affects a nucleotide within the consensus splice site of the intron. This variant is not present in population databases (ExAC no frequency). This variant has not been reported in the literature in individuals with a CHD2-related disease. Nucleotide substitutions within the consensus splice site are relatively common causes of aberrant splicing (PMID: 17576681, 9536098). Algorithms developed to predict the effect of sequence changes on RNA splicing suggest that this variant may disrupt the consensus splice site, but this prediction has not been confirmed by published transcriptional studies. In summary, this variant has uncertain impact on CHD2 function. The available evidence is currently insufficient to determine its role in disease. Therefore, it has been classified as a Variant of Uncertain Significance.

Literature cited by the submitters: PubMed 17576681; PubMed 9536098.